The following is an entry in ClinVar:

NM_017946.4(FKBP14):c.557A>G (p.Asp186Gly)

Genes: FKBP14-AS1 (FKBP14 antisense RNA 1; plus strand), FKBP14 (FKBP prolyl isomerase 14; minus strand). Cytogenetic location: 7p14.3.
Variant type: single nucleotide variant.
Coding change: c.557A>G on transcript NM_017946.4 (MANE Select); coding-DNA position 557, A replaced by G.
Protein change: p.Asp186Gly; replaces aspartic acid 186 with glycine.
Molecular consequence: missense variant. On other transcripts: non-coding transcript variant (2).
Genome position (GRCh38, 1-based): chr7:30,014,814, T>C on the plus strand (A>G on the coding strand, the complement: FKBP14 is on the minus strand). VCF-style: chr7-30014814-T-C. GRCh37 (hg19) VCF-style: chr7-30054430-T-C.
Other names: short protein forms D186G.
Identifiers: ClinVar variation 838953 (VCV000838953.10), dbSNP rs761086215, ClinGen allele CA4203375.
Genomic context (GRCh38, chr7:30,014,814, plus strand): 5'-TATGTAAATTCTCTGGCAGATATAAACCCATCTTTGTCTTCATCTTCTTTATCAAAAATA[T>C]CCTCCACCAAAGCATCATGATGACTTTCATTCACCACCGCACCATGTTTTTCAAACTCCT-3'
Protein context (NP_060416.1, residues 176-196): NESHHDALVE[Asp186Gly]IFDKEDEDKD

ClinVar aggregate classification (germline): Uncertain significance (1 of 4 stars; one submission).

Conditions:
Ehlers-Danlos syndrome, kyphoscoliotic type, 2. Also called: Ehlers-Danlos syndrome, kyphoscoliotic and deafness type; Ehlers-Danlos syndrome with progressive kyphoscoliosis, myopathy, and hearing loss; FKBP14-Kyphoscoliotic Ehlers-Danlos Syndrome. Identifiers: Orphanet 300179, MedGen C3281160, MONDO:0013800, OMIM 614557.

Allele frequency attached by ClinVar (database versions not stated): gnomAD exomes below 0.00001 and 0.00001; TOPMed below 0.00001; gnomAD 0.00001; ExAC 0.00002.
gnomAD v4.1: 3 of 1,611,346 alleles (0.00019%); highest among the groups gnomAD compares: Admixed American, 0.0017%; no homozygotes.

Submission:

Labcorp Genetics (formerly Invitae), Labcorp
Classification: Uncertain significance for Ehlers-Danlos syndrome, kyphoscoliotic type, 2. Last evaluated: 2022-11-15. Review status: criteria provided, single submitter. Criteria: Invitae Variant Classification Sherloc (09022015). Collection method: clinical testing. Allele origin: germline.
Comment: This variant is present in population databases (rs761086215, gnomAD 0.003%). This sequence change replaces aspartic acid, which is acidic and polar, with glycine, which is neutral and non-polar, at codon 186 of the FKBP14 protein (p.Asp186Gly). This variant has not been reported in the literature in individuals affected with FKBP14-related conditions. In summary, the available evidence is currently insufficient to determine the role of this variant in disease. Therefore, it has been classified as a Variant of Uncertain Significance. Algorithms developed to predict the effect of missense changes on protein structure and function are either unavailable or do not agree on the potential impact of this missense change (SIFT: "Deleterious"; PolyPhen-2: "Possibly Damaging"; Align-GVGD: "Class C0"). ClinVar contains an entry for this variant (Variation ID: 838953).